The following is an entry in ClinVar:

ClinVar aggregate classification (germline): Benign. Review status: criteria provided, multiple submitters, no conflicts (2 of 4 stars). 3 submissions from 3 submitters: Benign (3). Last evaluated 2021-04-07.

Allele frequency attached by ClinVar (database versions not stated): TOPMed 0.32539; 1000 Genomes Project 30x 0.30403; ExAC 0.27984; gnomAD 0.32761 and 0.33290; ESP Exome Variant Server 0.34361; gnomAD exomes 0.27359 and 0.28384; 1000 Genomes Project 0.30411.
gnomAD v4.1: 464,483 of 1,613,646 alleles (29%); highest among the groups gnomAD compares: African/African-American, 47%; 69,821 homozygotes.

Submissions (3):

Mayo Clinic Laboratories, Mayo Clinic
Classification: Benign. Last evaluated: 2021-04-07. Review status: criteria provided, single submitter. Criteria: ACMG Guidelines, 2015. Collection method: clinical testing. Allele origin: germline. Observed: 14 variant alleles.

GeneDx
Classification: Benign. Last evaluated: 2015-12-02. Review status: criteria provided, single submitter. Criteria: GeneDx Variant Classification (06012015). Collection method: clinical testing. Allele origin: germline. Affected: yes.
Comment: This variant is considered likely benign or benign based on one or more of the following criteria: it is a conservative change, it occurs at a poorly conserved position in the protein, it is predicted to be benign by multiple in silico algorithms, and/or has population frequency not consistent with disease.

Breakthrough Genomics
Classification: Benign. Review status: criteria provided, single submitter. Criteria: ACMG Guidelines, 2015. Collection method: not provided. Allele origin: germline. Inheritance: Autosomal recessive inheritance. Affected: yes.

NM_013391.3(DMGDH):c.1936T>C (p.Ser646Pro)

Gene: DMGDH (dimethylglycine dehydrogenase; minus strand). Cytogenetic location: 5q14.1.
Variant type: single nucleotide variant.
Coding change: c.1936T>C on transcript NM_013391.3 (MANE Select); coding-DNA position 1936, T replaced by C.
Protein change: p.Ser646Pro; replaces serine 646 with proline.
Molecular consequence: missense variant. On other transcripts: non-coding transcript variant (2).
Genome position (GRCh38, 1-based): chr5:79,028,529, A>G on the plus strand (T>C on the coding strand, the complement: DMGDH is on the minus strand). VCF-style: chr5-79028529-A-G. GRCh37 (hg19) VCF-style: chr5-78324352-A-G.
Other names: p.Ser646Pro; short protein forms S646P.
Identifiers: ClinVar variation 380066 (VCV000380066.3), dbSNP rs1805074, ClinGen allele CA3318582.